The following is an entry in ClinVar:

ClinVar aggregate classification (germline): Benign/Likely benign. Review status: criteria provided, multiple submitters, no conflicts (2 of 4 stars). 11 submissions from 10 submitters: Benign (5); Likely benign (5). 1 of the submissions does not count toward it. Last evaluated 2025-12-23.

Conditions:
HSPG2-related disorder. Also called: HSPG2-related condition; HSPG2-related disorders.
Schwartz-Jampel syndrome. Also called: Myotonic myopathy dwarfism chondrodystrophy and ocular and facial abnormalities. Identifiers: Orphanet 800, MedGen C0036391, MONDO:0009717.
Lethal Kniest-like syndrome (DDSH). Also called: Dyssegmental Dysplasia. Identifiers: Orphanet 1865, MedGen C1857100, MONDO:0009140, OMIM 224410.

Allele frequency attached by ClinVar (database versions not stated): gnomAD exomes 0.00097; ExAC 0.00188; 1000 Genomes Project 0.00439; gnomAD 0.00449 and 0.00485; 1000 Genomes Project 30x 0.00468; ESP Exome Variant Server 0.00489; TOPMed 0.00510.
gnomAD v4.1: 1,301 of 1,540,970 alleles (0.084%); highest among the groups gnomAD compares: African/African-American, 1.6%; 11 homozygotes.

Submissions (11):

Labcorp Genetics (formerly Invitae), Labcorp
Classification: Benign. Last evaluated: 2025-12-23. Review status: criteria provided, single submitter. Criteria: Invitae Variant Classification Sherloc (09022015). Collection method: clinical testing. Allele origin: germline.

Blueprint Genetics
Classification: Likely benign. Last evaluated: 2024-09-02. Review status: criteria provided, single submitter. Criteria: ACMG Guidelines, 2015. Collection method: clinical testing. Allele origin: germline.

GeneDx
Classification: Likely benign. Last evaluated: 2020-09-08. Review status: criteria provided, single submitter. Criteria: GeneDx Variant Classification Process June 2021. Collection method: clinical testing. Allele origin: germline. Affected: yes.

ARUP Laboratories, Molecular Genetics and Genomics, ARUP Laboratories
Classification: Likely benign. Last evaluated: 2020-02-16. Review status: criteria provided, single submitter. Criteria: ARUP Molecular Germline Variant Investigation Process. Collection method: clinical testing. Allele origin: germline.

Illumina Laboratory Services, Illumina
Classification: Benign for Lethal Kniest-like syndrome. Last evaluated: 2018-01-13. Review status: criteria provided, single submitter. Criteria: ICSL Variant Classification Criteria 13 December 2019. Collection method: clinical testing. Allele origin: germline.
Comment: This variant was observed in the ICSL laboratory as part of a predisposition screen in an ostensibly healthy population. It had not been previously curated by ICSL or reported in the Human Gene Mutation Database (HGMD: prior to June 1st, 2018), and was therefore a candidate for classification through an automated scoring system. Utilizing variant allele frequency, disease prevalence and penetrance estimates, and inheritance mode, an automated score was calculated to assess if this variant is too frequent to cause the disease. Based on the score and internal cut-off values, a variant classified as benign is not then subjected to further curation. The score for this variant resulted in a classification of benign for this disease.

Illumina Laboratory Services, Illumina
Classification: Benign for Schwartz-Jampel syndrome type 1. Last evaluated: 2018-01-13. Review status: criteria provided, single submitter. Criteria: ICSL Variant Classification Criteria 13 December 2019. Collection method: clinical testing. Allele origin: germline.
Comment: the same text as in the submission from Illumina Laboratory Services, Illumina above.

Athena Diagnostics
Classification: Benign. Last evaluated: 2016-10-28. Review status: criteria provided, single submitter. Criteria: Athena Diagnostics Criteria. Collection method: clinical testing. Allele origin: germline.

Center for Pediatric Genomic Medicine, Children's Mercy Hospital and Clinics
Classification: Likely benign. Last evaluated: 2015-06-04. Review status: criteria provided, single submitter. Criteria: ACMG Guidelines, 2015. Collection method: clinical testing. Allele origin: germline.
ClinVar note: Converted during submission from Likely Benign to Likely benign.

Eurofins Ntd Llc (ga)
Classification: Benign. Last evaluated: 2015-02-10. Review status: criteria provided, single submitter. Criteria: EGL Classification Definitions 2015. Collection method: clinical testing. Allele origin: germline. Observed: 1 variant allele, 1 heterozygote.

Breakthrough Genomics
Classification: Likely benign. Review status: criteria provided, single submitter. Criteria: ACMG Guidelines, 2015. Collection method: not provided. Allele origin: germline. Inheritance: Autosomal recessive inheritance. Affected: yes.

PreventionGenetics, part of Exact Sciences
Classification: Benign for HSPG2-related condition. Last evaluated: 2019-03-22. Review status: no assertion criteria provided. Collection method: clinical testing. Allele origin: germline. Not counted in ClinVar's aggregate classification.
Comment: This variant is classified as benign based on ACMG/AMP sequence variant interpretation guidelines (Richards et al. 2015 PMID: 25741868, with internal and published modifications).

NM_005529.7(HSPG2):c.12004C>G (p.Leu4002Val)

Gene: HSPG2 (heparan sulfate proteoglycan 2; minus strand). Cytogenetic location: 1p36.12.
Variant type: single nucleotide variant.
Coding change: c.12004C>G on transcript NM_005529.7 (MANE Select); coding-DNA position 12004, C replaced by G.
Protein change: p.Leu4002Val; replaces leucine 4002 with valine.
Molecular consequence: missense variant.
Genome position (GRCh38, 1-based): chr1:21,829,068, G>C on the plus strand (C>G on the coding strand, the complement: HSPG2 is on the minus strand). VCF-style: chr1-21829068-G-C. GRCh37 (hg19) VCF-style: chr1-22155561-G-C.
Other names: c.12007C>G, p.Leu4003Val (NM_001291860.2); short protein forms L4002V, L4003V.
Identifiers: ClinVar variation 198971 (VCV000198971.33), dbSNP rs140403186, ClinGen allele CA203692.